The following is an entry in ClinVar:

NM_012309.5(SHANK2):c.4985_4986del (p.Pro1662fs)

Gene: SHANK2 (SH3 and multiple ankyrin repeat domains 2; minus strand). Cytogenetic location: 11q13.3.
Variant type: Deletion.
Coding change: c.4985_4986del on transcript NM_012309.5 (MANE Select); coding-DNA positions 4985 to 4986, 2 bases deleted (CG; older notation c.4985_4986delCG).
Protein change: p.Pro1662fs; shifts the reading frame from proline 1662.
Molecular consequence: frameshift variant. On other transcripts: non-coding transcript variant (1).
Genome position (GRCh38, 1-based): chr11:70,473,433-70,473,434, CG deleted on the plus strand (CG on the coding strand, the reverse complement: SHANK2 is on the minus strand). VCF-style (leftmost placement, unchanged base first): chr11-70473432-CCG-C. GRCh37 (hg19) VCF-style: chr11-70319537-CCG-C.
Other names: c.3848_3849del, p.Pro1283fs (NM_001379226.1); c.3221_3222del, p.Pro1074fs (NM_133266.5); short protein forms P1074fs, P1283fs, P1662fs.
Identifiers: ClinVar variation 1690890 (VCV001690890.2), dbSNP rs2135665193, ClinGen allele CA2573147657.
Genomic context (GRCh38, chr11:70,473,432, plus strand): 5'-CGGGGCGAACAGTGAAGGTGACCGTCGTGCTCCGTGTACCTGAGATGGTGCTCATGATCT[CCG>C]GGCTTCTGAAACAGCAACACAGAGAAAACCATCACAAGGCAGGTCACCGAGTCAGGGCAG-3'

ClinVar aggregate classification (germline): Likely pathogenic (1 of 4 stars; one submission).

Submission:

Laboratorio de Genetica e Diagnostico Molecular, Hospital Israelita Albert Einstein
Classification: Likely pathogenic. Last evaluated: 2020-06-01. Review status: criteria provided, single submitter. Criteria: ACMG Guidelines, 2015. Collection method: clinical testing. Allele origin: germline. Affected: yes.
Comment: ACMG classification criteria: PVS1, PM2